The following is an entry in ClinVar:

ClinVar aggregate classification (germline): Uncertain significance (1 of 4 stars; one submission).

Submission:

CeGaT Center for Human Genetics Tuebingen
Classification: Uncertain significance. Last evaluated: 2025-07-01. Review status: criteria provided, single submitter. Criteria: CeGaT Center For Human Genetics Tuebingen Variant Classification Criteria Version 2. Collection method: clinical testing. Allele origin: germline. Affected: yes. Observed: 1 variant allele.
Comment: CACNA1I: PM2, PP2

NM_021096.4(CACNA1I):c.795G>A (p.Met265Ile)

Gene: CACNA1I (calcium voltage-gated channel subunit alpha1 I; plus strand). Cytogenetic location: 22q13.1.
Variant type: single nucleotide variant.
Coding change: c.795G>A on transcript NM_021096.4 (MANE Select); coding-DNA position 795, G replaced by A.
Protein change: p.Met265Ile; replaces methionine 265 with isoleucine.
Molecular consequence: missense variant.
Genome position (GRCh38, 1-based): chr22:39,640,921, G>A. VCF-style: chr22-39640921-G-A. GRCh37 (hg19) VCF-style: chr22-40036926-G-A.
Other names: c.795G>A, p.Met265Ile (NM_001003406.2); short protein forms M265I.
Identifiers: ClinVar variation 4085367 (VCV004085367.8).
Genomic context (GRCh38, chr22:39,640,921, plus strand): 5'-GGACAGACAAGGGGATGTGGCCTTGCCCCCATACTACCAGCCGGAGGAGGATGATGAGAT[G>A]CCCTTCATCTGCTCCCTGTCGGGCGACAATGGGATAATGGGCTGCCATGAGATCCCCCCG-3'
Protein context (NP_066919.2, residues 255-275): PYYQPEEDDE[Met265Ile]PFICSLSGDN